The following is an entry in ClinVar:

ClinVar aggregate classification (germline): Likely benign (1 of 4 stars; one submission).

Allele frequency attached by ClinVar (database versions not stated): gnomAD exomes below 0.00001.
gnomAD v4.1: 1 of 1,614,206 alleles (0.000062%); highest among the groups gnomAD compares: South Asian, 0.0011%; no homozygotes.

Submission:

Women's Health and Genetics/Laboratory Corporation of America, LabCorp
Classification: Likely benign. Last evaluated: 2023-07-27. Review status: criteria provided, single submitter. Criteria: LabCorp Variant Classification Summary - May 2015. Collection method: clinical testing. Allele origin: germline.
Comment: Variant summary: KIAA1267 c.3063C>T alters a conserved nucleotide resulting in a synonymous change. Computational tools predict no significant impact on normal splicing. However, these predictions have yet to be confirmed by functional studies. The variant was absent in 251302 control chromosomes. The available data on variant occurrences in the general population are insufficient to allow any conclusion about variant significance. To our knowledge, no occurrence of c.3063C>T in individuals affected with Koolen-De Vries Syndrome and no experimental evidence demonstrating its impact on protein function have been reported. No submitters have cited clinical-significance assessments for this variant to ClinVar after 2014. Based on the evidence outlined above, the variant was classified as likely benign.

NM_015443.4(KANSL1):c.3063C>T (p.Ser1021=)

Gene: KANSL1 (KAT8 regulatory NSL complex subunit 1). Cytogenetic location: 17q21.31.
Variant type: single nucleotide variant.
Coding change: c.3063C>T on transcript NM_015443.4 (MANE Select); coding-DNA position 3063, C replaced by T.
Protein change: p.Ser1021=; no amino-acid change (serine 1021 retained).
Molecular consequence: synonymous variant.
Genome position (GRCh38, 1-based): chr17:46,032,074, G>A on the plus strand (C>T on the coding strand, the complement: KANSL1 is on the minus strand). VCF-style: chr17-46032074-G-A. GRCh37 (hg19) VCF-style: chr17-44109440-G-A.
Other names: c.3060C>T, p.Ser1020= (NM_001193465.2, NM_001405856.1, NM_001405857.1 and 1 more transcripts); c.3063C>T, p.Ser1021= (NM_001193466.2, NM_001379198.1, NM_001405854.1 and 1 more transcripts); c.2961C>T, p.Ser987= (NM_001405859.1, NM_001405860.1); c.2958C>T, p.Ser986= (NM_001405861.1); c.2931C>T, p.Ser977= (NM_001405872.1, NM_001405873.1, NM_001405874.1); c.2874C>T, p.Ser958= (NM_001405875.1, NM_001405876.1, NM_001405877.1 and 1 more transcripts); c.2871C>T, p.Ser957= (NM_001405879.1, NM_001405880.1); c.2826C>T, p.Ser942= (NM_001405881.1); and 4 more.
Identifiers: ClinVar variation 2577350 (VCV002577350.1), dbSNP rs2510365631, ClinGen allele CA500371929.